The following is an entry in ClinVar:

NM_000138.5(FBN1):c.5990G>A (p.Arg1997Lys)

Gene: FBN1 (fibrillin 1; minus strand). Cytogenetic location: 15q21.1.
Variant type: single nucleotide variant.
Coding change: c.5990G>A on transcript NM_000138.5 (MANE Select); coding-DNA position 5990, G replaced by A.
Protein change: p.Arg1997Lys; replaces arginine 1997 with lysine.
Molecular consequence: missense variant.
Genome position (GRCh38, 1-based): chr15:48,444,588, C>T on the plus strand (G>A on the coding strand, the complement: FBN1 is on the minus strand). VCF-style: chr15-48444588-C-T. GRCh37 (hg19) VCF-style: chr15-48736785-C-T.
Other names: short protein forms R1997K.
Identifiers: ClinVar variation 924242 (VCV000924242.4), dbSNP rs2043139780, ClinGen allele CA392339721.

ClinVar aggregate classification (germline): Uncertain significance (1 of 4 stars; one submission).

Conditions:
Familial thoracic aortic aneurysm and aortic dissection (TAAD). Also called: Thoracic aortic aneurysms and dissections. Identifiers: Orphanet 91387, MedGen C4707243, MONDO:0019625.

Submission:

Color Diagnostics, LLC DBA Color Health
Classification: Uncertain significance for Familial thoracic aortic aneurysm and aortic dissection. Last evaluated: 2024-03-07. Review status: criteria provided, single submitter. Criteria: ACMG Guidelines, 2015. Collection method: clinical testing. Allele origin: germline.
Comment: This missense variant replaces arginine with lysine at codon 1997 of the FBN1 protein. Computational prediction is inconclusive regarding the impact of this variant on protein structure and function (internally defined REVEL score threshold 0.5 < inconclusive < 0.7, PMID: 27666373). Splice site prediction tools suggest that this variant may not impact RNA splicing. To our knowledge, functional studies have not been performed for this variant. This variant has not been reported in individuals affected with cardiovascular disorders in the literature. This variant has not been identified in the general population by the Genome Aggregation Database (gnomAD). The available evidence is insufficient to determine the role of this variant in disease conclusively. Therefore, this variant is classified as a Variant of Uncertain Significance.